The following is an entry in ClinVar:

ClinVar aggregate classification (germline): Uncertain significance (1 of 4 stars; one submission).

Submission:

GeneDx
Classification: Uncertain significance. Last evaluated: 2025-03-14. Review status: criteria provided, single submitter. Criteria: GeneDx Variant Classification Process June 2021. Collection method: clinical testing. Allele origin: germline. Affected: yes.
Comment: Not observed at significant frequency in large population cohorts (gnomAD); In silico analysis indicates that this missense variant does not alter protein structure/function; Has not been previously published as pathogenic or benign to our knowledge

NM_001134232.2(TMEM106B):c.780G>T (p.Gln260His)

Gene: TMEM106B (transmembrane protein 106B; plus strand). Cytogenetic location: 7p21.3.
Variant type: single nucleotide variant.
Coding change: c.780G>T on transcript NM_001134232.2 (MANE Select); coding-DNA position 780, G replaced by T.
Protein change: p.Gln260His; replaces glutamine 260 with histidine.
Molecular consequence: missense variant.
Genome position (GRCh38, 1-based): chr7:12,231,930, G>T. VCF-style: chr7-12231930-G-T. GRCh37 (hg19) VCF-style: chr7-12271556-G-T.
Other names: c.780G>T, p.Gln260His (NM_018374.4); short protein forms Q260H.
Identifiers: ClinVar variation 4083336 (VCV004083336.1).